The following is an entry in ClinVar:

ClinVar aggregate classification (germline): Uncertain significance. Review status: criteria provided, multiple submitters, no conflicts (2 of 4 stars). 2 submissions from 2 submitters: Uncertain significance (2). Last evaluated 2022-08-20.

Conditions:
Charcot-Marie-Tooth disease type 4. Also called: Charcot-Marie-Tooth disease, type IV; Charcot-Marie-Tooth, Type 4. Identifiers: Orphanet 64749, MedGen C4082197, MONDO:0018995.
Charcot-Marie-Tooth disease type 4B2. Also called: CHARCOT-MARIE-TOOTH DISEASE, WITH FOCALLY FOLDED MYELIN SHEATHS, AUTOSOMAL RECESSIVE, TYPE 4B2; Charcot-Marie-Tooth Neuropathy Type 4B2; CMT 4B2; CHARCOT-MARIE-TOOTH DISEASE, DEMYELINATING, TYPE 4B2. Identifiers: Orphanet 99956, MedGen C1858278, MONDO:0011475, OMIM 604563.

Allele frequency attached by ClinVar (database versions not stated): gnomAD exomes below 0.00001 and 0.00002; gnomAD 0.00001; TOPMed 0.00002; ExAC 0.00003; ESP Exome Variant Server 0.00008.
gnomAD v4.1: 7 of 1,546,250 alleles (0.00045%); highest among the groups gnomAD compares: African/African-American, 0.0014%; no homozygotes.

Submissions (2):

Labcorp Genetics (formerly Invitae), Labcorp
Classification: Uncertain significance for Charcot-Marie-Tooth disease type 4. Last evaluated: 2022-08-20. Review status: criteria provided, single submitter. Criteria: Invitae Variant Classification Sherloc (09022015). Collection method: clinical testing. Allele origin: germline.
Comment: This sequence change replaces histidine, which is basic and polar, with arginine, which is basic and polar, at codon 285 of the SBF2 protein (p.His285Arg). This variant is present in population databases (rs146971151, gnomAD 0.004%). This variant has not been reported in the literature in individuals affected with SBF2-related conditions. ClinVar contains an entry for this variant (Variation ID: 1363900). Algorithms developed to predict the effect of missense changes on protein structure and function (SIFT, PolyPhen-2, Align-GVGD) all suggest that this variant is likely to be tolerated. In summary, the available evidence is currently insufficient to determine the role of this variant in disease. Therefore, it has been classified as a Variant of Uncertain Significance.

Fulgent Genetics
Classification: Uncertain significance for Charcot-Marie-Tooth disease type 4B2. Last evaluated: 2021-08-04. Review status: criteria provided, single submitter. Criteria: ACMG Guidelines, 2015. Collection method: clinical testing. Allele origin: unknown.

NM_030962.4(SBF2):c.854A>G (p.His285Arg)

Gene: SBF2 (SET binding factor 2; minus strand). Cytogenetic location: 11p15.4.
Variant type: single nucleotide variant.
Coding change: c.854A>G on transcript NM_030962.4 (MANE Select); coding-DNA position 854, A replaced by G.
Protein change: p.His285Arg; replaces histidine 285 with arginine.
Molecular consequence: missense variant.
Genome position (GRCh38, 1-based): chr11:10,000,921, T>C on the plus strand (A>G on the coding strand, the complement: SBF2 is on the minus strand). VCF-style: chr11-10000921-T-C. GRCh37 (hg19) VCF-style: chr11-10022468-T-C.
Other names: c.854A>G, p.His285Arg (NM_001386339.1, NM_001386342.1); short protein forms H285R.
Identifiers: ClinVar variation 1363900 (VCV001363900.4), dbSNP rs146971151, ClinGen allele CA5881997.